The following is an entry in ClinVar:

NM_000057.4(BLM):c.934T>A (p.Ser312Thr)

Gene: BLM (BLM RecQ like helicase; plus strand). Cytogenetic location: 15q26.1.
Variant type: single nucleotide variant.
Coding change: c.934T>A on transcript NM_000057.4 (MANE Select); coding-DNA position 934, T replaced by A.
Protein change: p.Ser312Thr; replaces serine 312 with threonine.
Molecular consequence: missense variant. On other transcripts: 5 prime UTR variant (1).
Genome position (GRCh38, 1-based): chr15:90,751,921, T>A. VCF-style: chr15-90751921-T-A. GRCh37 (hg19) VCF-style: chr15-91295151-T-A.
Other names: c.934T>A, p.Ser312Thr (NM_001287246.2, NM_001287247.2); c.-358T>A (NM_001287248.2); short protein forms S312T.
Identifiers: ClinVar variation 842438 (VCV000842438.11), dbSNP rs372454889, ClinGen allele CA393841912.

ClinVar aggregate classification (germline): Conflicting classifications of pathogenicity. Review status: criteria provided, conflicting classifications (1 of 4 stars). 2 submissions from 2 submitters: Uncertain significance (1); Likely benign (1). Last evaluated 2024-08-17.

Conditions:
Hereditary cancer-predisposing syndrome. Also called: Hereditary Cancer Syndrome; Hereditary neoplastic syndrome; Tumor predisposition; Neoplastic Syndromes, Hereditary. Identifiers: Orphanet 140162, MedGen C0027672, MeSH D009386, MONDO:0015356.
Bloom syndrome (BLM). Also called: Bloom-Torre-Machacek syndrome. Identifiers: Orphanet 125, MedGen C0005859, MONDO:0008876, OMIM 210900.

Submissions (2):

Labcorp Genetics (formerly Invitae), Labcorp
Classification: Uncertain significance for Bloom syndrome. Last evaluated: 2024-08-17. Review status: criteria provided, single submitter. Criteria: Invitae Variant Classification Sherloc (09022015). Collection method: clinical testing. Allele origin: germline.
Comment: This sequence change replaces serine, which is neutral and polar, with threonine, which is neutral and polar, at codon 312 of the BLM protein (p.Ser312Thr). This variant is not present in population databases (gnomAD no frequency). This variant has not been reported in the literature in individuals affected with BLM-related conditions. ClinVar contains an entry for this variant (Variation ID: 842438). Invitae Evidence Modeling of protein sequence and biophysical properties (such as structural, functional, and spatial information, amino acid conservation, physicochemical variation, residue mobility, and thermodynamic stability) indicates that this missense variant is not expected to disrupt BLM protein function with a negative predictive value of 80%. In summary, the available evidence is currently insufficient to determine the role of this variant in disease. Therefore, it has been classified as a Variant of Uncertain Significance.

Ambry Genetics
Classification: Likely benign for Hereditary cancer-predisposing syndrome. Last evaluated: 2024-03-14. Review status: criteria provided, single submitter. Criteria: Ambry Variant Classification Scheme 2023. Collection method: clinical testing. Allele origin: germline.